The following is an entry in ClinVar:

NM_005732.4(RAD50):c.1744A>T (p.Ser582Cys)

Gene: RAD50 (RAD50 double strand break repair protein; plus strand). Cytogenetic location: 5q31.1.
Variant type: single nucleotide variant.
Coding change: c.1744A>T on transcript NM_005732.4 (MANE Select); coding-DNA position 1744, A replaced by T.
Protein change: p.Ser582Cys; replaces serine 582 with cysteine.
Molecular consequence: missense variant.
Genome position (GRCh38, 1-based): chr5:132,591,985, A>T. VCF-style: chr5-132591985-A-T. GRCh37 (hg19) VCF-style: chr5-131927677-A-T.
Other names: short protein forms S582C.
Identifiers: ClinVar variation 2565938 (VCV002565938.2), dbSNP rs747324016, ClinGen allele CA360946595.
Genomic context (GRCh38, chr5:132,591,985, plus strand): 5'-GAATTAACCTCACTGTTGGGATATTTTCCCAACAAAAAACAGCTTGAAGACTGGCTACAT[A>T]GTAAATCAAAAGAAATTAATCAGACCAGGGACAGACTTGCCAAATTGAAGTAAGTTGCAA-3'
Protein context (NP_005723.2, residues 572-592): NKKQLEDWLH[Ser582Cys]KSKEINQTRD

ClinVar aggregate classification (germline): Uncertain significance (1 of 4 stars; one submission).

Conditions:
Hereditary cancer-predisposing syndrome. Also called: Neoplastic Syndromes, Hereditary; Hereditary Cancer Syndrome; Hereditary neoplastic syndrome; Tumor predisposition. Identifiers: Orphanet 140162, MedGen C0027672, MeSH D009386, MONDO:0015356.

Submission:

Ambry Genetics
Classification: Uncertain significance for Hereditary cancer-predisposing syndrome. Last evaluated: 2023-04-25. Review status: criteria provided, single submitter. Criteria: Ambry Variant Classification Scheme 2023. Collection method: clinical testing. Allele origin: germline.
Comment: The p.S582C variant (also known as c.1744A>T), located in coding exon 11 of the RAD50 gene, results from an A to T substitution at nucleotide position 1744. The serine at codon 582 is replaced by cysteine, an amino acid with dissimilar properties. This amino acid position is conserved. In addition, this alteration is predicted to be tolerated by in silico analysis. Since supporting evidence is limited at this time, the clinical significance of this alteration remains unclear.